The following is an entry in ClinVar:

NM_001370259.2(MEN1):c.1657_1658del (p.Phe553fs)

Gene: MEN1 (menin 1; minus strand). Cytogenetic location: 11q13.1.
Variant type: Deletion.
Coding change: c.1657_1658del on transcript NM_001370259.2 (MANE Select); coding-DNA positions 1657 to 1658, 2 bases deleted (TT; older notation c.1657_1658delTT).
Protein change: p.Phe553fs; shifts the reading frame from phenylalanine 553.
Molecular consequence: frameshift variant.
Genome position (GRCh38, 1-based): chr11:64,804,509-64,804,510, AA deleted on the plus strand (TT on the coding strand, the reverse complement: MEN1 is on the minus strand); deleting any 2 consecutive bases within chr11:64,804,509-64,804,511 gives the same sequence; the c. name uses the placement nearest the transcript's 3' end. VCF-style (leftmost placement, unchanged base first): chr11-64804508-GAA-G. GRCh37 (hg19) VCF-style: chr11-64571980-GAA-G.
Other names: c.1672_1673del, p.Phe558fs (NM_000244.4, NM_130800.3, NM_130801.3 and 3 more transcripts); c.1783_1784del, p.Phe595fs (NM_001370251.2); c.1657_1658del, p.Phe553fs (NM_001370260.2, NM_001370261.2, NM_130799.3); c.1552_1553del, p.Phe518fs (NM_001370262.2, NM_001370263.2); short protein forms F518fs, F553fs, F558fs, F595fs.
Identifiers: ClinVar variation 1456364 (VCV001456364.7), dbSNP rs2136081238, ClinGen allele CA2573147434.

ClinVar aggregate classification (germline): Pathogenic (1 of 4 stars; one submission).

Conditions:
Multiple endocrine neoplasia, type 1 (MEN1). Also called: Endocrine adenomatosis multiple; MEN 1; MEA I; MEN I; WERMER SYNDROME. Identifiers: Orphanet 652, MedGen C0025267, MeSH D018761, MONDO:0007540, OMIM 131100.

Submission:

Labcorp Genetics (formerly Invitae), Labcorp
Classification: Pathogenic for Multiple endocrine neoplasia, type 1. Last evaluated: 2021-08-17. Review status: criteria provided, single submitter. Criteria: Invitae Variant Classification Sherloc (09022015). Collection method: clinical testing. Allele origin: germline.
Comment: This variant has not been reported in the literature in individuals affected with MEN1-related conditions. This variant disrupts the NLS2 domain of the MEN1 protein, which is important for DNA binding and repression of cell proliferation (PMID: 15331604, 16449969). While functional studies have not been performed to directly test the effect of this variant on MEN1 protein function, this suggests that disruption of this region of the protein is causative of disease. This variant disrupts a region of the MEN1 protein in which other variant(s) (p.Lys559Glufs*38) have been determined to be pathogenic (PMID: 10090472; Invitae). This suggests that this is a clinically significant region of the protein, and that variants that disrupt it are likely to be disease-causing. For these reasons, this variant has been classified as Pathogenic. This variant is not present in population databases (ExAC no frequency). This sequence change creates a premature translational stop signal (p.Phe553Profs*3) in the MEN1 gene. While this is not anticipated to result in nonsense mediated decay, it is expected to disrupt the last 58 amino acid(s) of the MEN1 protein.

Literature cited by the submitters: PubMed 15331604; PubMed 16449969; PubMed 10090472.